The following is an entry in ClinVar:

NM_000090.4(COL3A1):c.879T>A (p.Asn293Lys)

Gene: COL3A1 (collagen type III alpha 1 chain; plus strand). Cytogenetic location: 2q32.2.
Variant type: single nucleotide variant.
Coding change: c.879T>A on transcript NM_000090.4 (MANE Select); coding-DNA position 879, T replaced by A.
Protein change: p.Asn293Lys; replaces asparagine 293 with lysine.
Molecular consequence: missense variant.
Genome position (GRCh38, 1-based): chr2:188,991,513, T>A. VCF-style: chr2-188991513-T-A. GRCh37 (hg19) VCF-style: chr2-189856239-T-A.
Other names: short protein forms N293K.
Identifiers: ClinVar variation 636379 (VCV000636379.3), dbSNP rs1576463837, ClinGen allele CA349849920.

ClinVar aggregate classification (germline): Uncertain significance. Review status: criteria provided, multiple submitters, no conflicts (2 of 4 stars). 2 submissions from 2 submitters: Uncertain significance (2). Last evaluated 2025-01-21.

Conditions:
Familial thoracic aortic aneurysm and aortic dissection (TAAD). Also called: Thoracic aortic aneurysms and dissections. Identifiers: Orphanet 91387, MedGen C4707243, MONDO:0019625.

Allele frequency attached by ClinVar (database versions not stated): gnomAD exomes 0.00001.
gnomAD v4.1: 5 of 1,611,632 alleles (0.00031%); no homozygotes.

Submissions (2):

Ambry Genetics
Classification: Uncertain significance for Familial thoracic aortic aneurysm and aortic dissection. Last evaluated: 2025-01-21. Review status: criteria provided, single submitter. Criteria: Ambry Variant Classification Scheme 2023. Collection method: clinical testing. Allele origin: germline.
Comment: The p.N293K variant (also known as c.879T>A), located in coding exon 12 of the COL3A1 gene, results from a T to A substitution at nucleotide position 879. The asparagine at codon 293 is replaced by lysine, an amino acid with similar properties. This amino acid position is highly conserved in available vertebrate species. In addition, this alteration is predicted to be tolerated by in silico analysis. Based on the available evidence, the clinical significance of this variant remains unclear.

Blueprint Genetics
Classification: Uncertain significance. Last evaluated: 2024-08-08. Review status: criteria provided, single submitter. Criteria: ACMG Guidelines, 2015. Collection method: clinical testing. Allele origin: germline.